The following is an entry in ClinVar:

NM_000091.5(COL4A3):c.4357C>T (p.Gln1453Ter)

Genes: COL4A3 (collagen type IV alpha 3 chain; plus strand), MFF-DT (MFF divergent transcript; minus strand). Cytogenetic location: 2q36.3.
Variant type: single nucleotide variant.
Coding change: c.4357C>T on transcript NM_000091.5 (MANE Select); coding-DNA position 4357, C replaced by T.
Protein change: p.Gln1453Ter; replaces glutamine 1453 with a stop codon.
Molecular consequence: nonsense.
Genome position (GRCh38, 1-based): chr2:227,307,814, C>T. VCF-style: chr2-227307814-C-T. GRCh37 (hg19) VCF-style: chr2-228172530-C-T.
Other names: short protein forms Q1453*.
Identifiers: ClinVar variation 3234059 (VCV003234059.2), dbSNP rs2469931435, ClinGen allele CA350864318.
Genomic context (GRCh38, chr2:227,307,814, plus strand): 5'-GGAGACAGTGGATCACCTGCAACCTGGACAACGAGAGGCTTTGTCTTCACCCGACACAGT[C>T]AAACCACAGCAATTCCTTCATGTCCAGAGGGGACAGTGCCACTCTACAGTGGGTTTTCTT-3'

ClinVar aggregate classification (germline): Pathogenic/Likely pathogenic. Review status: criteria provided, multiple submitters, no conflicts (2 of 4 stars). 2 submissions from 2 submitters: Pathogenic (1); Likely pathogenic (1). Last evaluated 2024-03-18.

Conditions:
Autosomal dominant Alport syndrome (ATS3A). Also called: Alport syndrome dominant type; Renal failure and sensorineural hearing loss; ALPORT SYNDROME 3A, AUTOSOMAL DOMINANT. Identifiers: Orphanet 63, Orphanet 88918, MedGen C5882663, MONDO:0007086, OMIM 104200.
Hematuria, benign familial, 2 (BFH2). Identifiers: MedGen C5830421, MONDO:0958186, OMIM 620320.
Alport syndrome 3b, autosomal recessive. Identifiers: MedGen C5882699, MONDO:0957811, OMIM 620536.

Submissions (2):

Fulgent Genetics
Classification: Likely pathogenic for Autosomal dominant Alport syndrome; Hematuria, benign familial, 2; Alport syndrome 3b, autosomal recessive. Last evaluated: 2024-03-18. Review status: criteria provided, single submitter. Criteria: ACMG Guidelines, 2015. Collection method: clinical testing. Allele origin: germline.

MVZ Medizinische Genetik Mainz
Classification: Pathogenic for Autosomal dominant Alport syndrome. Last evaluated: 2023-09-12. Review status: criteria provided, single submitter. Criteria: UK Practice Guidelines For Variant Classification V4 01 2020. Collection method: clinical testing. Allele origin: germline. Inheritance: Autosomal recessive inheritance. Affected: yes. Observed: 1 variant allele.
Comment: ACMG Criteria: PVS1,PM2_SUP,PM3_SUP,PP4